The following is an entry in ClinVar:

ClinVar aggregate classification (germline): Uncertain significance (1 of 4 stars; one submission).

Conditions:
Catecholaminergic polymorphic ventricular tachycardia (CVPT). Also called: Catecholamine-induced polymorphic ventricular tachycardia. Identifiers: Orphanet 3286, MedGen C5574922, MONDO:0017990.

Submission:

All of Us Research Program, National Institutes of Health
Classification: Uncertain significance for Catecholaminergic polymorphic ventricular tachycardia. Last evaluated: 2023-09-17. Review status: criteria provided, single submitter. Criteria: ACMG Guidelines, 2015. Collection method: clinical testing. Allele origin: germline. Inheritance: Autosomal dominant inheritance. Observed: 1 variant allele, 1 heterozygote.
Comment: This missense variant replaces phenylalanine with leucine at codon 1290 of the RYR2 protein. Computational prediction suggests that this variant may have deleterious impact on protein structure and function (internally defined REVEL score threshold >= 0.7, PMID: 27666373). To our knowledge, functional studies have not been reported for this variant. This variant has not been reported in individuals affected with RYR2-related disorders in the literature. This variant has not been identified in the general population by the Genome Aggregation Database (gnomAD). The available evidence is insufficient to determine the role of this variant in disease conclusively. Therefore, this variant is classified as a Variant of Uncertain Significance.

This study involves interpretation of variants in research participants for the purpose of population health screening. Participant phenotype was not available at the time of variant classification. Additional details can be found in publication PMID: 35346344, PMCID: PMC8962531

NM_001035.3(RYR2):c.3868T>C (p.Phe1290Leu)

Genes: RYR2 (ryanodine receptor 2; plus strand), LOC126806067 (BRD4-independent group 4 enhancer GRCh37_chr1:237753258-237754457; plus strand). Cytogenetic location: 1q43.
Variant type: single nucleotide variant.
Coding change: c.3868T>C on transcript NM_001035.3 (MANE Select); coding-DNA position 3868, T replaced by C.
Protein change: p.Phe1290Leu; replaces phenylalanine 1290 with leucine.
Molecular consequence: missense variant.
Genome position (GRCh38, 1-based): chr1:237,590,700, T>C. VCF-style: chr1-237590700-T-C. GRCh37 (hg19) VCF-style: chr1-237754000-T-C.
Other names: short protein forms F1290L.
Identifiers: ClinVar variation 3073469 (VCV003073469.1), dbSNP rs2546613700, ClinGen allele CA345397250.
Genomic context (GRCh38, chr1:237,590,700, plus strand): 5'-GTGACCAGAATAGACGGCACCATAGACAGTTCCCCATGTTTAAAGGTCACTCAGAAGTCT[T>C]TTGGTTCTCAGAACAGCAACACTGATATCATGTTTTATCGCCTGAGCATGCCGATCGAGT-3'
Protein context (NP_001026.2, residues 1280-1300): SPCLKVTQKS[Phe1290Leu]GSQNSNTDIM